The following is an entry in ClinVar:

NM_022168.4(IFIH1):c.1625C>A (p.Ala542Glu)

Gene: IFIH1 (interferon induced with helicase C domain 1; minus strand). Cytogenetic location: 2q24.2.
Variant type: single nucleotide variant.
Coding change: c.1625C>A on transcript NM_022168.4 (MANE Select); coding-DNA position 1625, C replaced by A.
Protein change: p.Ala542Glu; replaces alanine 542 with glutamic acid.
Molecular consequence: missense variant.
Genome position (GRCh38, 1-based): chr2:162,280,012, G>T on the plus strand (C>A on the coding strand, the complement: IFIH1 is on the minus strand). VCF-style: chr2-162280012-G-T. GRCh37 (hg19) VCF-style: chr2-163136522-G-T.
Other names: c.1625C>A (NM_022168.2); short protein forms A542E.
Identifiers: ClinVar variation 1503157 (VCV001503157.9), dbSNP rs1490646945, ClinGen allele CA349000977.

ClinVar aggregate classification (germline): Uncertain significance. Review status: criteria provided, multiple submitters, no conflicts (2 of 4 stars). 2 submissions from 2 submitters: Uncertain significance (2). Last evaluated 2025-07-09.

Conditions:
Singleton-Merten syndrome 1 (SGMRT1). Also called: Widened medullary cavities of bone, aortic calcification, abnormal dentition, and muscular weakness; Syndrome of widened medullary cavities of the metacarpals and phalanges, aortic calcification and abnormal dentition. Identifiers: Orphanet 85191, MedGen C4225427, MONDO:0024535, OMIM 182250.
Aicardi-Goutieres syndrome 7 (AGS7). Identifiers: Orphanet 51, MedGen C3888244, MONDO:0014367, OMIM 615846.
Inborn genetic diseases. Identifiers: MedGen C0950123, MeSH D030342.

Allele frequency attached by ClinVar (database versions not stated): TOPMed 0.00002; gnomAD 0.00001; gnomAD exomes 0.00001.
gnomAD v4.1: 3 of 1,595,456 alleles (0.00019%); highest among the groups gnomAD compares: East Asian, 0.0067%; no homozygotes.

Submissions (2):

Labcorp Genetics (formerly Invitae), Labcorp
Classification: Uncertain significance for Aicardi-Goutieres syndrome 7; Singleton-Merten syndrome 1. Last evaluated: 2025-07-09. Review status: criteria provided, single submitter. Criteria: Invitae Variant Classification Sherloc (09022015). Collection method: clinical testing. Allele origin: germline.
Comment: This sequence change replaces alanine, which is neutral and non-polar, with glutamic acid, which is acidic and polar, at codon 542 of the IFIH1 protein (p.Ala542Glu). This variant is present in population databases (no rsID available, gnomAD 0.02%). This variant has not been reported in the literature in individuals affected with IFIH1-related conditions. ClinVar contains an entry for this variant (Variation ID: 1503157). Invitae Evidence Modeling of protein sequence and biophysical properties (such as structural, functional, and spatial information, amino acid conservation, physicochemical variation, residue mobility, and thermodynamic stability) has been performed for this missense variant. However, the output from this modeling did not meet the statistical confidence thresholds required to predict the impact of this variant on IFIH1 protein function. In summary, the available evidence is currently insufficient to determine the role of this variant in disease. Therefore, it has been classified as a Variant of Uncertain Significance.

Ambry Genetics
Classification: Uncertain significance for Inborn genetic diseases. Last evaluated: 2023-10-14. Review status: criteria provided, single submitter. Criteria: Ambry Variant Classification Scheme 2023. Collection method: clinical testing. Allele origin: germline.